The following is an entry in ClinVar:

NM_022455.5(NSD1):c.1606A>C (p.Asn536His)

Gene: NSD1 (nuclear receptor binding SET domain protein 1; plus strand). Cytogenetic location: 5q35.3.
Variant type: single nucleotide variant.
Coding change: c.1606A>C on transcript NM_022455.5 (MANE Select); coding-DNA position 1606, A replaced by C.
Protein change: p.Asn536His; replaces asparagine 536 with histidine.
Molecular consequence: missense variant.
Genome position (GRCh38, 1-based): chr5:177,210,005, A>C. VCF-style: chr5-177210005-A-C. GRCh37 (hg19) VCF-style: chr5-176637006-A-C.
Other names: c.733A>C, p.Asn245His (NM_001365684.2, NM_001409306.1, NM_001409307.1 and 3 more transcripts); c.1606A>C, p.Asn536His (NM_001409301.1, NM_001409302.1, NM_001409303.1); c.1186A>C, p.Asn396His (NM_001409304.1); c.853A>C, p.Asn285His (NM_001409305.1); short protein forms N536H, N267H, N285H, N245H, N396H.
Identifiers: ClinVar variation 524703 (VCV000524703.10), dbSNP rs1554188985, ClinGen allele CA362310489.

ClinVar aggregate classification (germline): Uncertain significance. Review status: criteria provided, multiple submitters, no conflicts (2 of 4 stars). 2 submissions from 2 submitters: Uncertain significance (2). Last evaluated 2023-08-28.

Conditions:
NSD1-related disorder. Also called: NSD1-related condition.

Allele frequency attached by ClinVar (database versions not stated): TOPMed 0.00001.

Submissions (2):

PreventionGenetics, part of Exact Sciences
Classification: Uncertain significance for NSD1-related condition. Last evaluated: 2023-08-28. Review status: criteria provided, single submitter. Criteria: ACMG Guidelines, 2015. Collection method: clinical testing. Allele origin: germline.
Comment: The NSD1 c.1606A>C variant is predicted to result in the amino acid substitution p.Asn536His. To our knowledge, this variant has not been reported in the literature or in a large population database, indicating this variant is rare. At this time, the clinical significance of this variant is uncertain due to the absence of conclusive functional and genetic evidence.

Labcorp Genetics (formerly Invitae), Labcorp
Classification: Uncertain significance. Last evaluated: 2017-10-10. Review status: criteria provided, single submitter. Criteria: Invitae Variant Classification Sherloc (09022015). Collection method: clinical testing. Allele origin: germline.
Comment: In summary, the available evidence is currently insufficient to determine the role of this variant in disease. Therefore, it has been classified as a Variant of Uncertain Significance. Algorithms developed to predict the effect of missense changes on protein structure and function (SIFT, PolyPhen-2, Align-GVGD) all suggest that this variant is likely to be tolerated, but these predictions have not been confirmed by published functional studies and their clinical significance is uncertain. This sequence change replaces asparagine with histidine at codon 536 of the NSD1 protein (p.Asn536His). The asparagine residue is weakly conserved and there is a small physicochemical difference between asparagine and histidine. This variant has not been reported in the literature in individuals with NSD1-related disease. This variant is not present in population databases (ExAC no frequency).